The following continues an entry in ClinVar:

NM_007294.4(BRCA1):c.671-1G>C

Gene: BRCA1. ClinVar aggregate classification (germline): Uncertain significance. Uncertain significance (1).

Submissions 6 to 7 of 7:

Ambry Genetics
Classification: Likely pathogenic for Hereditary cancer-predisposing syndrome. Last evaluated: 2021-12-07. Review status: criteria provided, single submitter. Criteria: Ambry Variant Classification Scheme 2023. Collection method: clinical testing. Allele origin: germline. Not counted in ClinVar's aggregate classification.
Comment: The c.671-1G>C intronic variant results from a G to C substitution one nucleotide upstream from coding exon 9 of the BRCA1 gene. This nucleotide position is highly conserved in available vertebrate species. In silico splice site analysis predicts that this alteration will weaken the native splice acceptor site. Alterations that disrupt the canonical splice site are expected to cause aberrant splicing, resulting in an abnormal protein or a transcript that is subject to nonsense-mediated mRNA decay; however this exon, which comprises over 50% of the BRCA1 protein, is absent in part or in whole in naturally occurring alternative splicing isoforms (Colombo M et al. Hum Mol Genet 2014 Jul;23(14):3666-80). Functional studies have shown that loss of this exon may impair cellular localization and have reduced, but not lost, DNA damage repair function (Thakur S et al. Mol Cell Biol 1997 Jan;17(1):444-52, Huber LJ et al. Mol Cell Biol 2001 Jun;21(12):4005-15, Kim SS et al. Mol Cell Biol 2006 Sep;26(18):6983-92). Additionally, mouse embryos with homozygous BRCA1 coding exon 9 deletions survive longer than BRCA1-null embryos, suggesting protein without exon 9 may still be able to perform some BRCA1 essential functions (Huber LJ et al. Mol Cell Biol 2001 Jun;21(12):4005-15). Based on the majority of available evidence to date, this variant is likely pathogenic. However, carriers of this variant and their families may present with reduced risks, and not with the typical clinical characteristics of a high-risk pathogenic BRCA1 alteration. As risk estimates are unknown at this time, clinical correlation is advised.

Sharing Clinical Reports Project (SCRP)
Classification: Uncertain significance for Breast-ovarian cancer, familial 1. Last evaluated: 2012-08-31. Review status: flagged submission. Collection method: clinical testing. Allele origin: germline. Not counted in ClinVar's aggregate classification.
ClinVar note: Reason: Older claim that does not account for recent evidence

Literature cited by the submitters: PubMed 8972225 (cited by Color Diagnostics, LLC DBA Color Health and All of Us Research Program, National Institutes of Health); PubMed 11359908 (cited by Color Diagnostics, LLC DBA Color Health and All of Us Research Program, National Institutes of Health); PubMed 12960223 (cited by Color Diagnostics, LLC DBA Color Health and All of Us Research Program, National Institutes of Health); PubMed 14513821 (cited by Color Diagnostics, LLC DBA Color Health and All of Us Research Program, National Institutes of Health); PubMed 16949048 (cited by Color Diagnostics, LLC DBA Color Health and All of Us Research Program, National Institutes of Health); PubMed 24212087 (cited by Color Diagnostics, LLC DBA Color Health and All of Us Research Program, National Institutes of Health); PubMed 26911350 (cited by Color Diagnostics, LLC DBA Color Health and All of Us Research Program, National Institutes of Health); PubMed 28145423 (cited by Color Diagnostics, LLC DBA Color Health and All of Us Research Program, National Institutes of Health); PubMed 29446198 (cited by Color Diagnostics, LLC DBA Color Health and All of Us Research Program, National Institutes of Health); PubMed 29774201 (cited by Color Diagnostics, LLC DBA Color Health and All of Us Research Program, National Institutes of Health); PubMed 30736279 (cited by Color Diagnostics, LLC DBA Color Health and All of Us Research Program, National Institutes of Health); PubMed 32614418 (cited by Color Diagnostics, LLC DBA Color Health and All of Us Research Program, National Institutes of Health); PubMed 33610559 (cited by Color Diagnostics, LLC DBA Color Health and All of Us Research Program, National Institutes of Health); PubMed 35220195 (cited by 3 submitters); PubMed 35712480 (cited by Color Diagnostics, LLC DBA Color Health and All of Us Research Program, National Institutes of Health); PubMed 35918668 (cited by Color Diagnostics, LLC DBA Color Health and All of Us Research Program, National Institutes of Health); PubMed 39488595 (cited by Color Diagnostics, LLC DBA Color Health); PubMed 16199547 (cited by Labcorp Genetics (formerly Invitae), Labcorp); PubMed 20104584 (cited by Labcorp Genetics (formerly Invitae), Labcorp).